The following is an entry in ClinVar:

ClinVar aggregate classification (germline): Benign/Likely benign. Review status: criteria provided, multiple submitters, no conflicts (2 of 4 stars). 11 submissions from 8 submitters: Benign (6); Likely benign (5). Last evaluated 2026-05-01.

Conditions:
Cardiovascular phenotype. Identifiers: MedGen CN230736.
Autosomal recessive limb-girdle muscular dystrophy type 2J (LGMDR10). Also called: Limb-girdle muscular dystrophy, type 2J; MUSCULAR DYSTROPHY, LIMB-GIRDLE, AUTOSOMAL RECESSIVE 10. Identifiers: Orphanet 140922, MedGen C1837342, MONDO:0012127, OMIM 608807.
Dilated cardiomyopathy 1G (CMD1G). Identifiers: Orphanet 154, MedGen C1858763, MONDO:0011400, OMIM 604145.
Tibial muscular dystrophy (TMD). Also called: Tibial muscular dystrophy, tardive; UDD MYOPATHY; Udd Distal Myopathy – Tibial Muscular Dystrophy. Identifiers: Orphanet 609, MedGen C1838244, MONDO:0010870, OMIM 600334.
Myopathy, myofibrillar, 9, with early respiratory failure (MFM9). Also called: Hereditary myopathy with early respiratory failure; MYOPATHY, PROXIMAL, WITH EARLY RESPIRATORY MUSCLE INVOLVEMENT; Myopathy, distal, with early respiratory failure, autosomal dominant; EDSTROM MYOPATHY. Identifiers: Orphanet 178464, Orphanet 34521, MedGen C1863599, MONDO:0011362, OMIM 603689.
Hypertrophic cardiomyopathy 9. Also called: Familial hypertrophic cardiomyopathy 9. Identifiers: MedGen C1861065, MONDO:0013412, OMIM 613765.
Early-onset myopathy with fatal cardiomyopathy (CMYO5). Also called: CONGENITAL MYOPATHY 5 WITH CARDIOMYOPATHY; Salih Myopathy. Identifiers: Orphanet 289377, MedGen C2673677, MONDO:0012714, OMIM 611705. Disease mechanism: loss of function.

Allele frequency attached by ClinVar (database versions not stated): gnomAD 0.00009; TOPMed 0.00009; gnomAD exomes 0.00012; 1000 Genomes Project 30x 0.00016; ExAC 0.00017; 1000 Genomes Project 0.00020.
gnomAD v4.1: 71 of 1,589,870 alleles (0.0045%); highest among the groups gnomAD compares: East Asian, 0.072%; no homozygotes.

Submissions (11):

CeGaT Center for Human Genetics Tuebingen
Classification: Likely benign. Last evaluated: 2026-05-01. Review status: criteria provided, single submitter. Criteria: CeGaT Center For Human Genetics Tuebingen Variant Classification Criteria Version 2. Collection method: clinical testing. Allele origin: germline. Affected: yes. Observed: 1 variant allele.
Comment: TTN: BP4, BP7

Labcorp Genetics (formerly Invitae), Labcorp
Classification: Benign for Dilated cardiomyopathy 1G; Autosomal recessive limb-girdle muscular dystrophy type 2J. Last evaluated: 2026-01-25. Review status: criteria provided, single submitter. Criteria: Invitae Variant Classification Sherloc (09022015). Collection method: clinical testing. Allele origin: germline.

Blueprint Genetics
Classification: Likely benign. Last evaluated: 2023-12-13. Review status: criteria provided, single submitter. Criteria: ACMG Guidelines, 2015. Collection method: clinical testing. Allele origin: germline.

Fulgent Genetics
Classification: Likely benign for Tibial muscular dystrophy; Myopathy, myofibrillar, 9, with early respiratory failure; Dilated cardiomyopathy 1G; Autosomal recessive limb-girdle muscular dystrophy type 2J; Early-onset myopathy with fatal cardiomyopathy; Hypertrophic cardiomyopathy 9. Last evaluated: 2021-10-06. Review status: criteria provided, single submitter. Criteria: ACMG Guidelines, 2015. Collection method: clinical testing. Allele origin: unknown.

Genome-Nilou Lab
Classification: Benign for Autosomal recessive limb-girdle muscular dystrophy type 2J. Last evaluated: 2021-09-10. Review status: criteria provided, single submitter. Criteria: ACMG Guidelines, 2015. Collection method: clinical testing. Allele origin: germline. Affected: no.

Genome-Nilou Lab
Classification: Benign for Myopathy, myofibrillar, 9, with early respiratory failure. Last evaluated: 2021-09-10. Review status: criteria provided, single submitter. Criteria: ACMG Guidelines, 2015. Collection method: clinical testing. Allele origin: germline. Affected: no.

Genome-Nilou Lab
Classification: Benign for Early-onset myopathy with fatal cardiomyopathy. Last evaluated: 2021-09-10. Review status: criteria provided, single submitter. Criteria: ACMG Guidelines, 2015. Collection method: clinical testing. Allele origin: germline. Affected: no.

Genome-Nilou Lab
Classification: Benign for Tibial muscular dystrophy. Last evaluated: 2021-09-10. Review status: criteria provided, single submitter. Criteria: ACMG Guidelines, 2015. Collection method: clinical testing. Allele origin: germline. Affected: no.

Ambry Genetics
Classification: Likely benign for Cardiovascular phenotype. Last evaluated: 2018-07-24. Review status: criteria provided, single submitter. Criteria: Ambry Variant Classification Scheme 2023. Collection method: clinical testing. Allele origin: germline.

Athena Diagnostics
Classification: Benign. Last evaluated: 2017-09-07. Review status: criteria provided, single submitter. Criteria: Athena Diagnostics Criteria. Collection method: clinical testing. Allele origin: germline.

GeneDx
Classification: Likely benign. Last evaluated: 2017-08-03. Review status: criteria provided, single submitter. Criteria: GeneDx Variant Classification (06012015). Collection method: clinical testing. Allele origin: germline. Affected: yes.
Comment: This variant is considered likely benign or benign based on one or more of the following criteria: it is a conservative change, it occurs at a poorly conserved position in the protein, it is predicted to be benign by multiple in silico algorithms, and/or has population frequency not consistent with disease.

NM_001267550.2(TTN):c.107688G>A (p.Pro35896=)

Genes: TTN-AS1 (TTN antisense RNA 1; plus strand), TTN (titin; minus strand). Cytogenetic location: 2q31.2.
Variant type: single nucleotide variant.
Coding change: c.107688G>A on transcript NM_001267550.2 (MANE Select); coding-DNA position 107688, G replaced by A.
Protein change: p.Pro35896=; no amino-acid change (proline 35896 retained).
Molecular consequence: synonymous variant.
Genome position (GRCh38, 1-based): chr2:178,527,300, C>T on the plus strand (G>A on the coding strand, the complement: TTN is on the minus strand). VCF-style: chr2-178527300-C-T. GRCh37 (hg19) VCF-style: chr2-179392027-C-T.
Other names: c.107688G>A (LRG_391t1); c.102765G>A, p.Pro34255= (NM_001256850.1); c.80493G>A, p.Pro26831= (NM_003319.4); c.99984G>A, p.Pro33328= (NM_133378.4); c.80868G>A, p.Pro26956= (NM_133432.3); c.81069G>A, p.Pro27023= (NM_133437.4).
Identifiers: ClinVar variation 220650 (VCV000220650.29), dbSNP rs542575761, ClinGen allele CA350444.